The following is an entry in ClinVar:

NM_012200.4(B3GAT3):c.1000G>A (p.Glu334Lys)

Gene: B3GAT3 (beta-1,3-glucuronyltransferase 3; minus strand). Cytogenetic location: 11q12.3.
Variant type: single nucleotide variant.
Coding change: c.1000G>A on transcript NM_012200.4 (MANE Select); coding-DNA position 1000, G replaced by A.
Protein change: p.Glu334Lys; replaces glutamic acid 334 with lysine.
Molecular consequence: missense variant. On other transcripts: 3 prime UTR variant (2), non-coding transcript variant (1).
Genome position (GRCh38, 1-based): chr11:62,615,709, C>T on the plus strand (G>A on the coding strand, the complement: B3GAT3 is on the minus strand). VCF-style: chr11-62615709-C-T. GRCh37 (hg19) VCF-style: chr11-62383181-C-T.
Other names: c.979G>A, p.Glu327Lys (NM_001288721.2); c.*477G>A (NM_001288722.2); c.*493G>A (NM_001288723.2); short protein forms E327K, E334K.
Identifiers: ClinVar variation 1406733 (VCV001406733.5), dbSNP rs762837360, ClinGen allele CA6049933.

ClinVar aggregate classification (germline): Uncertain significance (1 of 4 stars; one submission).

Conditions:
Larsen-like syndrome, B3GAT3 type. Also called: Multiple joint dislocations, short stature, craniofacial dysmorphism, with or without congenital heart defects; MULTIPLE JOINT DISLOCATIONS, SHORT STATURE, AND CRANIOFACIAL DYSMORPHISM WITH OR WITHOUT CONGENITAL HEART DEFECTS. Identifiers: Orphanet 284139, MedGen CN034159, MONDO:0009511, OMIM 245600.

Allele frequency attached by ClinVar (database versions not stated): gnomAD exomes below 0.00001; ExAC 0.00001; gnomAD 0.00001; TOPMed 0.00001.
gnomAD v4.1: 2 of 1,613,524 alleles (0.00012%); highest among the groups gnomAD compares: Non-Finnish European, 0.00017%; no homozygotes.

Submission:

Labcorp Genetics (formerly Invitae), Labcorp
Classification: Uncertain significance for Larsen-like syndrome, B3GAT3 type. Last evaluated: 2021-10-13. Review status: criteria provided, single submitter. Criteria: Invitae Variant Classification Sherloc (09022015). Collection method: clinical testing. Allele origin: germline.
Comment: This sequence change replaces glutamic acid with lysine at codon 334 of the B3GAT3 protein (p.Glu334Lys). The glutamic acid residue is moderately conserved and there is a small physicochemical difference between glutamic acid and lysine. This variant is present in population databases (rs762837360, ExAC 0.002%). In summary, the available evidence is currently insufficient to determine the role of this variant in disease. Therefore, it has been classified as a Variant of Uncertain Significance. Algorithms developed to predict the effect of missense changes on protein structure and function are either unavailable or do not agree on the potential impact of this missense change (SIFT: "Deleterious"; PolyPhen-2: "Probably Damaging"; Align-GVGD: "Class C0"). This missense change has been observed in individual(s) with clinical features of multiple joint dislocations, short stature, craniofacial dysmorphism, with or without congenital heart defects (PMID: 26633542).

Literature cited by the submitters: PubMed 26633542.